The following is an entry in ClinVar:

NM_015335.5(MED13L):c.6584A>G (p.His2195Arg)

Gene: MED13L (mediator complex subunit 13L; minus strand). Cytogenetic location: 12q24.21.
Variant type: single nucleotide variant.
Coding change: c.6584A>G on transcript NM_015335.5 (MANE Select); coding-DNA position 6584, A replaced by G.
Protein change: p.His2195Arg; replaces histidine 2195 with arginine.
Molecular consequence: missense variant.
Genome position (GRCh38, 1-based): chr12:115,961,315, T>C on the plus strand (A>G on the coding strand, the complement: MED13L is on the minus strand). VCF-style: chr12-115961315-T-C. GRCh37 (hg19) VCF-style: chr12-116399120-T-C.
Other names: short protein forms H2195R.
Identifiers: ClinVar variation 3686713 (VCV003686713.2).

ClinVar aggregate classification (germline): Pathogenic (1 of 4 stars; one submission).

Conditions:
Dextro-looped transposition of the great arteries. Also called: Dextrotransposition of the great arteries. Identifiers: Orphanet 860, MedGen C3531771, MONDO:0019443, OMIM 608808, HP:0031348.

Submission:

Labcorp Genetics (formerly Invitae), Labcorp
Classification: Pathogenic for Dextro-looped transposition of the great arteries. Last evaluated: 2025-02-17. Review status: criteria provided, single submitter. Criteria: Invitae Variant Classification Sherloc (09022015). Collection method: clinical testing. Allele origin: germline.
Comment: This sequence change replaces histidine, which is basic and polar, with arginine, which is basic and polar, at codon 2195 of the MED13L protein (p.His2195Arg). This variant is not present in population databases (gnomAD no frequency). This missense change has been observed in individual(s) with MED13L-related conditions (internal data). In at least one individual the variant was observed to be de novo. Invitae Evidence Modeling of protein sequence and biophysical properties (such as structural, functional, and spatial information, amino acid conservation, physicochemical variation, residue mobility, and thermodynamic stability) indicates that this missense variant is expected to disrupt MED13L protein function with a positive predictive value of 80%. For these reasons, this variant has been classified as Pathogenic.